The following is an entry in ClinVar:

ClinVar aggregate classification (germline): Uncertain significance (1 of 4 stars; one submission).

Conditions:
Developmental and epileptic encephalopathy, 12 (DEE12). Identifiers: MedGen C3150988, MONDO:0013389, OMIM 613722.

Allele frequency attached by ClinVar (database versions not stated): gnomAD exomes below 0.00001; gnomAD 0.00001; TOPMed 0.00002.
gnomAD v4.1: 6 of 1,614,014 alleles (0.00037%); highest among the groups gnomAD compares: Admixed American, 0.0033%; no homozygotes.

Submission:

Labcorp Genetics (formerly Invitae), Labcorp
Classification: Uncertain significance for Developmental and epileptic encephalopathy, 12. Last evaluated: 2023-11-13. Review status: criteria provided, single submitter. Criteria: Invitae Variant Classification Sherloc (09022015). Collection method: clinical testing. Allele origin: germline.
Comment: This sequence change replaces glycine, which is neutral and non-polar, with glutamic acid, which is acidic and polar, at codon 288 of the PNKP protein (p.Gly288Glu). This variant is not present in population databases (gnomAD no frequency). This variant has not been reported in the literature in individuals affected with PNKP-related conditions. ClinVar contains an entry for this variant (Variation ID: 1358728). An algorithm developed to predict the effect of missense changes on protein structure and function (PolyPhen-2) suggests that this variant is likely to be disruptive. In summary, the available evidence is currently insufficient to determine the role of this variant in disease. Therefore, it has been classified as a Variant of Uncertain Significance.

NM_007254.4(PNKP):c.863G>A (p.Gly288Glu)

Gene: PNKP (polynucleotide kinase 3'-phosphatase; minus strand). Cytogenetic location: 19q13.33.
Variant type: single nucleotide variant.
Coding change: c.863G>A on transcript NM_007254.4 (MANE Select); coding-DNA position 863, G replaced by A.
Protein change: p.Gly288Glu; replaces glycine 288 with glutamic acid.
Molecular consequence: missense variant.
Genome position (GRCh38, 1-based): chr19:49,862,692, C>T on the plus strand (G>A on the coding strand, the complement: PNKP is on the minus strand). VCF-style: chr19-49862692-C-T. GRCh37 (hg19) VCF-style: chr19-50365949-C-T.
Other names: short protein forms G288E.
Identifiers: ClinVar variation 1358728 (VCV001358728.4), dbSNP rs1215859117, ClinGen allele CA406882302.